The following is an entry in ClinVar:

ClinVar aggregate classification (germline): Likely pathogenic (1 of 4 stars; one submission).

Submission:

Athena Diagnostics
Classification: Likely pathogenic. Last evaluated: 2024-04-03. Review status: criteria provided, single submitter. Criteria: Athena Diagnostics Criteria. Collection method: clinical testing. Allele origin: unknown.
Comment: This variant appears to segregate with disease in at least one family. This variant has not been reported in large, multi-ethnic general populations. The variant is located in a region that is considered important for protein function and/or structure.

NM_002739.5(PRKCG):c.248_250dup (p.Phe83_Glu84insVal)

Gene: PRKCG (protein kinase C gamma; plus strand). Cytogenetic location: 19q13.42.
Variant type: Duplication.
Coding change: c.248_250dup on transcript NM_002739.5 (MANE Select); coding-DNA positions 248 to 250, 3 bases duplicated (TCG; older notation c.248_250dupTCG).
Protein change: p.Phe83_Glu84insVal.
Genome position (GRCh38, 1-based): chr19:53,884,206-53,884,208, TCG duplicated. VCF-style (leftmost placement, unchanged base first): chr19-53884205-T-TTCG. GRCh37 (hg19) VCF-style: chr19-54387459-T-TTCG.
Other names: c.248_250dup, p.Phe83_Glu84insVal (NM_001316329.2).
Identifiers: ClinVar variation 3571607 (VCV003571607.1).
Genomic context (GRCh38, chr19:53,884,205, plus strand): 5'-TGATTTTCATCTATAGTCTGCAGCTTTGTGGTTCATCGACGATGCCACGAATTTGTGACC[T>TTCG]TCGAGTGTCCAGGCGCTGGGAAGGGCCCCCAGACGGACGTGAGTGCTCGGACACCTGGTT-3'